The following is an entry in ClinVar:

NM_000417.3(IL2RA):c.518G>A (p.Gly173Glu)

Gene: IL2RA (interleukin 2 receptor subunit alpha; minus strand). Cytogenetic location: 10p15.1.
Variant type: single nucleotide variant.
Coding change: c.518G>A on transcript NM_000417.3 (MANE Select); coding-DNA position 518, G replaced by A.
Protein change: p.Gly173Glu; replaces glycine 173 with glutamic acid.
Molecular consequence: missense variant. On other transcripts: intron variant (2).
Genome position (GRCh38, 1-based): chr10:6,021,543, C>T on the plus strand (G>A on the coding strand, the complement: IL2RA is on the minus strand). VCF-style: chr10-6021543-C-T. GRCh37 (hg19) VCF-style: chr10-6063506-C-T.
Other names: c.368-2044G>A (NM_001308243.2); c.368-1602G>A (NM_001308242.2); short protein forms G173E.
Identifiers: ClinVar variation 4741574 (VCV004741574.1).

ClinVar aggregate classification (germline): Uncertain significance (1 of 4 stars; one submission).

Conditions:
Immunodeficiency due to CD25 deficiency. Also called: CD25 DEFICIENCY; IL2RA DEFICIENCY; IMMUNODEFICIENCY 41 WITH LYMPHOPROLIFERATION AND AUTOIMMUNITY. Identifiers: Orphanet 169100, MedGen C1853392, MONDO:0011664, OMIM 606367.

Submission:

Labcorp Genetics (formerly Invitae), Labcorp
Classification: Uncertain significance for Immunodeficiency due to CD25 deficiency. Last evaluated: 2025-10-03. Review status: criteria provided, single submitter. Criteria: Invitae Variant Classification Sherloc (09022015). Collection method: clinical testing. Allele origin: germline.
Comment: This sequence change replaces glycine, which is neutral and non-polar, with glutamic acid, which is acidic and polar, at codon 173 of the IL2RA protein (p.Gly173Glu). This variant is not present in population databases (gnomAD no frequency). This variant has not been reported in the literature in individuals affected with IL2RA-related conditions. Invitae Evidence Modeling of protein sequence and biophysical properties (such as structural, functional, and spatial information, amino acid conservation, physicochemical variation, residue mobility, and thermodynamic stability) indicates that this missense variant is not expected to disrupt IL2RA protein function with a negative predictive value of 80%. In summary, the available evidence is currently insufficient to determine the role of this variant in disease. Therefore, it has been classified as a Variant of Uncertain Significance.